The following is an entry in ClinVar:

NM_001077418.3(TMEM231):c.544C>G (p.Gln182Glu)

Gene: TMEM231 (transmembrane protein 231; minus strand). Cytogenetic location: 16q23.1.
Variant type: single nucleotide variant.
Coding change: c.544C>G on transcript NM_001077418.3 (MANE Select); coding-DNA position 544, C replaced by G.
Protein change: p.Gln182Glu; replaces glutamine 182 with glutamic acid.
Molecular consequence: missense variant. On other transcripts: non-coding transcript variant (1).
Genome position (GRCh38, 1-based): chr16:75,545,390, G>C on the plus strand (C>G on the coding strand, the complement: TMEM231 is on the minus strand). VCF-style: chr16-75545390-G-C. GRCh37 (hg19) VCF-style: chr16-75579288-G-C.
Other names: c.703C>G, p.Gln235Glu (NM_001077416.2); short protein forms Q182E, Q235E.
Identifiers: ClinVar variation 2498039 (VCV002498039.1), dbSNP rs760455133, ClinGen allele CA8176160.

ClinVar aggregate classification (germline): Uncertain significance (1 of 4 stars; one submission).

Allele frequency attached by ClinVar (database versions not stated): ExAC 0.00002.

Submission:

GeneDx
Classification: Uncertain significance. Last evaluated: 2022-10-06. Review status: criteria provided, single submitter. Criteria: GeneDx Variant Classification Process June 2021. Collection method: clinical testing. Allele origin: germline. Affected: yes.
Comment: In silico analysis supports that this missense variant does not alter protein structure/function; Has not been previously published as pathogenic or benign to our knowledge